The following is an entry in ClinVar:

ClinVar aggregate classification (germline): Uncertain significance. Review status: criteria provided, multiple submitters, no conflicts (2 of 4 stars). 2 submissions from 2 submitters: Uncertain significance (2). Last evaluated 2024-09-18.

Allele frequency attached by ClinVar (database versions not stated): gnomAD 0.00001; TOPMed 0.00001; gnomAD exomes 0.00003; ExAC 0.00006.
gnomAD v4.1: 43 of 1,613,776 alleles (0.0027%); highest among the groups gnomAD compares: South Asian, 0.041%; no homozygotes.

Submissions (2):

GeneDx
Classification: Uncertain significance. Last evaluated: 2024-09-18. Review status: criteria provided, single submitter. Criteria: GeneDx Variant Classification Process June 2021. Collection method: clinical testing. Allele origin: germline. Affected: yes.
Comment: In silico analysis indicates that this missense variant does not alter protein structure/function; Has not been previously published as pathogenic or benign to our knowledge

Ambry Genetics
Classification: Uncertain significance. Last evaluated: 2024-02-28. Review status: criteria provided, single submitter. Criteria: Ambry Variant Classification Scheme 2023. Collection method: clinical testing. Allele origin: germline.

NM_017757.3(ZNF407):c.997A>G (p.Ser333Gly)

Gene: ZNF407 (zinc finger protein 407; plus strand). Cytogenetic location: 18q22.3.
Variant type: single nucleotide variant.
Coding change: c.997A>G on transcript NM_017757.3 (MANE Select); coding-DNA position 997, A replaced by G.
Protein change: p.Ser333Gly; replaces serine 333 with glycine.
Molecular consequence: missense variant.
Genome position (GRCh38, 1-based): chr18:74,632,016, A>G. VCF-style: chr18-74632016-A-G. GRCh37 (hg19) VCF-style: chr18-72343972-A-G.
Other names: c.997A>G, p.Ser333Gly (NM_001146189.1, NM_001146190.1, NM_001384475.1); short protein forms S333G.
Identifiers: ClinVar variation 3195572 (VCV003195572.2), dbSNP rs756785043, ClinGen allele CA9000278.
Genomic context (GRCh38, chr18:74,632,016, plus strand): 5'-AAGAATAGTGATTCAAAAGGATTACGAAATGTGGGAAGCACGTTTAAAGATTTCAGAGGA[A>G]GTATTTCTAAACAAAGTGGTAGTAGCAGTGAGCTTCTTGTTGAAATGATGCCTTCCAGAA-3'
Protein context (NP_060227.2, residues 323-343): VGSTFKDFRG[Ser333Gly]ISKQSGSSSE